The following is an entry in ClinVar:

NM_016239.4(MYO15A):c.4906C>T (p.Gln1636Ter)

Gene: MYO15A (myosin XVA; plus strand). Cytogenetic location: 17p11.2.
Variant type: single nucleotide variant.
Coding change: c.4906C>T on transcript NM_016239.4 (MANE Select); coding-DNA position 4906, C replaced by T.
Protein change: p.Gln1636Ter; replaces glutamine 1636 with a stop codon.
Molecular consequence: nonsense.
Genome position (GRCh38, 1-based): chr17:18,138,145, C>T. VCF-style: chr17-18138145-C-T. GRCh37 (hg19) VCF-style: chr17-18041459-C-T.
Other names: short protein forms Q1636*.
Identifiers: ClinVar variation 2704971 (VCV002704971.3), dbSNP rs1342785506, ClinGen allele CA398597144.

ClinVar aggregate classification (germline): Pathogenic (1 of 4 stars; one submission).

Submission:

Labcorp Genetics (formerly Invitae), Labcorp
Classification: Pathogenic. Last evaluated: 2023-12-22. Review status: criteria provided, single submitter. Criteria: Invitae Variant Classification Sherloc (09022015). Collection method: clinical testing. Allele origin: germline.
Comment: This sequence change creates a premature translational stop signal (p.Gln1636*) in the MYO15A gene. It is expected to result in an absent or disrupted protein product. Loss-of-function variants in MYO15A are known to be pathogenic (PMID: 17546645). This variant is not present in population databases (gnomAD no frequency). This variant has not been reported in the literature in individuals affected with MYO15A-related conditions. For these reasons, this variant has been classified as Pathogenic.

Literature cited by the submitters: PubMed 17546645.